The following is an entry in ClinVar:

NM_001291415.2(KDM6A):c.1711C>T (p.Arg571Ter)

Gene: KDM6A (lysine demethylase 6A; plus strand). Cytogenetic location: Xp11.3.
Variant type: single nucleotide variant.
Coding change: c.1711C>T on transcript NM_001291415.2 (MANE Select); coding-DNA position 1711, C replaced by T.
Protein change: p.Arg571Ter; replaces arginine 571 with a stop codon.
Molecular consequence: nonsense. On other transcripts: non-coding transcript variant (1).
Genome position (GRCh38, 1-based): chrX:45,063,449, C>T. VCF-style: chrX-45063449-C-T. GRCh37 (hg19) VCF-style: chrX-44922694-C-T.
Other names: c.1576C>T, p.Arg526Ter (NM_001291416.2); c.1420C>T, p.Arg474Ter (NM_001291417.2); c.1318C>T, p.Arg440Ter (NM_001291418.2); c.667C>T, p.Arg223Ter (NM_001291421.2); c.1555C>T, p.Arg519Ter (NM_021140.4); c.1555C>T (NM_021140.2); short protein forms R519*, R571*, R440*, R223*, R474*, R526*.
Identifiers: ClinVar variation 39993 (VCV000039993.4), dbSNP rs397514628, ClinGen allele CA130685.
Genomic context (GRCh38, chrX:45,063,449, plus strand): 5'-CCAGCATTTACTTTTCCTTTGTTTTTTTGACAGATGAGACCAACAGGAGTTGCACAGGTA[C>T]GATCTACTGGAATTCCTAATGGGCCAACAGCTGACTCATCACTGCCTACAAACTCAGTCT-3'

ClinVar aggregate classification (germline): Pathogenic. Review status: criteria provided, multiple submitters, no conflicts (2 of 4 stars). 3 submissions from 3 submitters: Pathogenic (2). 1 of the submissions does not count toward it. Last evaluated 2024-02-01.

Conditions:
Inborn genetic diseases. Identifiers: MedGen C0950123, MeSH D030342.
Kabuki syndrome 2 (KABUK2). Also called: KDM6A-Related Kabuki Syndrome. Identifiers: Orphanet 2322, MedGen C3275495, MONDO:0010465, OMIM 300867.

Submissions (3):

GeneDx
Classification: Pathogenic. Last evaluated: 2024-02-01. Review status: criteria provided, single submitter. Criteria: GeneDx Variant Classification Process June 2021. Collection method: clinical testing. Allele origin: germline. Affected: yes.
Comment: Nonsense variant predicted to result in protein truncation or nonsense mediated decay in a gene for which loss-of-function is a known mechanism of disease; Not observed at significant frequency in large population cohorts (gnomAD); This variant is associated with the following publications: (PMID: 23076834)

Ambry Genetics
Classification: Pathogenic for Inborn genetic diseases. Last evaluated: 2021-09-07. Review status: criteria provided, single submitter. Criteria: Ambry Variant Classification Scheme 2023. Collection method: clinical testing. Allele origin: germline.
Comment: The c.1555C>T (p.R519*) alteration, located in exon 16 (coding exon 16) of the KDM6A gene, consists of a C to T substitution at nucleotide position 1555. This changes the amino acid from an arginine (R) to a stop codon at amino acid position 519. This alteration is expected to result in loss of function by premature protein truncation or nonsense-mediated mRNA decay. This variant was not reported in population-based cohorts in the Genome Aggregation Database (gnomAD). Based on the available evidence, this alteration is classified as pathogenic.

OMIM
Classification: Pathogenic for KABUKI SYNDROME 2. Last evaluated: 2013-01-01. Review status: no assertion criteria provided. Collection method: literature only. Allele origin: germline. Not counted in ClinVar's aggregate classification.

Literature cited by the submitters: PubMed 23076834 (cited by Ambry Genetics and OMIM).